The following is an entry in ClinVar:

NM_032242.4(PLXNA1):c.5172G>T (p.Glu1724Asp)

Gene: PLXNA1 (plexin A1; plus strand). Cytogenetic location: 3q21.3.
Variant type: single nucleotide variant.
Coding change: c.5172G>T on transcript NM_032242.4 (MANE Select); coding-DNA position 5172, G replaced by T.
Protein change: p.Glu1724Asp; replaces glutamic acid 1724 with aspartic acid.
Molecular consequence: missense variant.
Genome position (GRCh38, 1-based): chr3:127,030,353, G>T. VCF-style: chr3-127030353-G-T. GRCh37 (hg19) VCF-style: chr3-126749196-G-T.
Other names: short protein forms E1724D.
Identifiers: ClinVar variation 3358106 (VCV003358106.1).

ClinVar aggregate classification (germline): Uncertain significance (0 of 4 stars; one submission).

Conditions:
PLXNA1-related disorder. Also called: PLXNA1-related condition.

gnomAD v4.1: 7 of 1,614,052 alleles (0.00043%); highest among the groups gnomAD compares: Non-Finnish European, 0.00059%; no homozygotes.

Submission:

PreventionGenetics, part of Exact Sciences
Classification: Uncertain significance for PLXNA1-related condition. Last evaluated: 2024-04-03. Review status: no assertion criteria provided. Collection method: clinical testing. Allele origin: germline.
Comment: The PLXNA1 c.5172G>T variant is predicted to result in the amino acid substitution p.Glu1724Asp. To our knowledge, this variant has not been reported in the literature. This variant is reported in 0.00088% of alleles in individuals of European (Non-Finnish) descent in gnomAD. At this time, the clinical significance of this variant is uncertain due to the absence of conclusive functional and genetic evidence.